The following is an entry in ClinVar:

NM_001008537.3(NEXMIF):c.791_792del (p.Phe264fs)

Gene: NEXMIF (neurite extension and migration factor; minus strand). Cytogenetic location: Xq13.3.
Variant type: Deletion.
Coding change: c.791_792del on transcript NM_001008537.3 (MANE Select); coding-DNA positions 791 to 792, 2 bases deleted (TT; older notation c.791_792delTT).
Protein change: p.Phe264fs; shifts the reading frame from phenylalanine 264.
Molecular consequence: frameshift variant.
Genome position (GRCh38, 1-based): chrX:74,743,765-74,743,766, AA deleted on the plus strand (TT on the coding strand, the reverse complement: NEXMIF is on the minus strand); deleting any 2 consecutive bases within chrX:74,743,765-74,743,768 gives the same sequence; the c. name uses the placement nearest the transcript's 3' end. VCF-style (leftmost placement, unchanged base first): chrX-74743764-TAA-T. GRCh37 (hg19) VCF-style: chrX-73963599-TAA-T.
Other names: short protein forms F264fs.
Identifiers: ClinVar variation 974858 (VCV000974858.2), dbSNP rs2080116462, ClinGen allele CA1139667656.

ClinVar aggregate classification (germline): Likely pathogenic. Review status: criteria provided, multiple submitters, no conflicts (2 of 4 stars). 2 submissions from 2 submitters: Likely pathogenic (2). Last evaluated 2024-10-04.

Conditions:
Intellectual disability. Also called: intellectual disabilities; Intellectual developmental disorder; Intellectual functioning disability. Identifiers: MedGen C3714756, MeSH D008607, MONDO:0001071, HP:0001249.
X-linked intellectual disability, Cantagrel type (XLID98). Also called: INTELLECTUAL DEVELOPMENTAL DISORDER, X-LINKED 98. Identifiers: Orphanet 85277, MedGen C3806730, MONDO:0010483, OMIM 300912.

Submissions (2):

Dubai Health Genomic Medicine Center, Dubai Health
Classification: Likely pathogenic for Intellectual developmental disorder. Last evaluated: 2024-10-04. Review status: criteria provided, single submitter. Criteria: ACMG Guidelines, 2015. Collection method: research. Allele origin: germline. Affected: yes.
Comment: PVS1,PM2

CENTOGENE GmbH and LLC - Guiding Precision Medicine
Classification: Likely pathogenic for X-linked intellectual disability, Cantagrel type. Review status: criteria provided, single submitter. Criteria: ACMG Guidelines, 2015. Collection method: clinical testing. Allele origin: de novo. Affected: yes.

Literature cited by the submitters: PubMed 32860008 (cited by CENTOGENE GmbH and LLC - Guiding Precision Medicine).